The following is an entry in ClinVar:

ClinVar aggregate classification (germline): Benign. Review status: criteria provided, multiple submitters, no conflicts (2 of 4 stars). 5 submissions from 5 submitters: Benign (5). Last evaluated 2026-08-01.

Conditions:
Glycogen storage disease IXb (GSD9B). Also called: PHOSPHORYLASE KINASE DEFICIENCY OF LIVER AND MUSCLE, AUTOSOMAL RECESSIVE; GLYCOGENOSIS OF LIVER AND MUSCLE, AUTOSOMAL RECESSIVE; GSD IXb. Identifiers: Orphanet 79240, MedGen C0543514, MONDO:0009868, OMIM 261750.

Submissions (5):

CeGaT Center for Human Genetics Tuebingen
Classification: Benign. Last evaluated: 2026-08-01. Review status: criteria provided, single submitter. Criteria: CeGaT Center For Human Genetics Tuebingen Variant Classification Criteria Version 2. Collection method: clinical testing. Allele origin: germline. Affected: yes. Observed: 10 variant alleles.
Comment: PHKB: BS1, BS2

Labcorp Genetics (formerly Invitae), Labcorp
Classification: Benign for Glycogen storage disease IXb. Last evaluated: 2026-02-02. Review status: criteria provided, single submitter. Criteria: Invitae Variant Classification Sherloc (09022015). Collection method: clinical testing. Allele origin: germline.

Mayo Clinic Laboratories, Mayo Clinic
Classification: Benign. Last evaluated: 2024-12-23. Review status: criteria provided, single submitter. Criteria: ACMG Guidelines, 2015. Collection method: clinical testing. Allele origin: germline. Observed: 1 variant allele.
Comment: BA1

GeneDx
Classification: Benign. Last evaluated: 2016-08-31. Review status: criteria provided, single submitter. Criteria: GeneDx Variant Classification Process June 2021. Collection method: clinical testing. Allele origin: germline. Affected: yes.

PreventionGenetics, part of Exact Sciences
Classification: Benign. Review status: criteria provided, single submitter. Criteria: ACMG Guidelines, 2015. Collection method: clinical testing. Allele origin: germline.

NM_000293.3(PHKB):c.2453AAG[2] (p.Glu820del)

Gene: PHKB (phosphorylase kinase regulatory subunit beta; plus strand). Cytogenetic location: 16q12.1.
Variant type: Microsatellite.
Coding change: c.2453AAG[2] on transcript NM_000293.3 (MANE Select); two copies in a row of the 3-base unit AAG starting at c.2453; the reference has three copies in a row; one copy, 3 bases deleted; also written c.2459_2461del.
Protein change: p.Glu820del; deletes glutamic acid 820.
Molecular consequence: inframe deletion.
Genome position (GRCh38, 1-based): chr16:47,669,246-47,669,248, AAG deleted; deleting any 3 consecutive bases within chr16:47,669,239-47,669,248 gives the same sequence; the position shown is the placement nearest the transcript's 3' end. VCF-style (leftmost placement, unchanged base first): chr16-47669238-TGAA-T. GRCh37 (hg19) VCF-style: chr16-47703149-TGAA-T.
Other names: p.Glu820del; c.2432AAG[2], p.Glu813del (NM_001031835.3); c.2453AAG[2], p.Glu820del (NM_001363837.1); c.2459_2461del (NM_000293.3, NM_000293.2); short protein forms E813del, E820del.
Identifiers: ClinVar variation 257176 (VCV000257176.46), dbSNP rs532057230, ClinGen allele CA8041258.